The following is an entry in ClinVar:

ClinVar aggregate classification (germline): Pathogenic. Review status: criteria provided, multiple submitters, no conflicts (2 of 4 stars). 2 submissions from 2 submitters: Pathogenic (2). Last evaluated 2022-08-22.

Conditions:
Multiple endocrine neoplasia, type 2 (MEN2). Identifiers: Orphanet 653, MedGen C4048306, MONDO:0019003. Disease mechanism: gain of function.
Hereditary cancer-predisposing syndrome. Also called: Hereditary Cancer Syndrome; Hereditary neoplastic syndrome; Neoplastic Syndromes, Hereditary; Tumor predisposition. Identifiers: Orphanet 140162, MedGen C0027672, MeSH D009386, MONDO:0015356.

Submissions (2):

Labcorp Genetics (formerly Invitae), Labcorp
Classification: Pathogenic for Multiple endocrine neoplasia, type 2. Last evaluated: 2022-08-22. Review status: criteria provided, single submitter. Criteria: Invitae Variant Classification Sherloc (09022015). Collection method: clinical testing. Allele origin: germline.
Comment: For these reasons, this variant has been classified as Pathogenic. This variant has not been reported in the literature in individuals affected with RET-related conditions. This variant is not present in population databases (gnomAD no frequency). This sequence change creates a premature translational stop signal (p.Gln499*) in the RET gene. It is expected to result in an absent or disrupted protein product. Loss-of-function variants in RET are known to be pathogenic (PMID: 22174939, 22648184).

Ambry Genetics
Classification: Pathogenic for Hereditary cancer-predisposing syndrome. Last evaluated: 2020-11-19. Review status: criteria provided, single submitter. Criteria: Ambry Variant Classification Scheme 2023. Collection method: clinical testing. Allele origin: germline.
Comment: The p.Q499* pathogenic mutation (also known as c.1495C>T), located in coding exon 7 of the RET gene, results from a C to T substitution at nucleotide position 1495. This changes the amino acid from a glutamine to a stop codon within coding exon 7. This alteration is expected to result in loss of function by premature protein truncation or nonsense-mediated mRNA decay. Loss-of-function variants in RET are known to cause Hirschsprung disease; however, such associations with Multiple Endocrine Neoplasia Type 2 (MEN2) have not been observed (Amiel J and Lyonnet S. J Med Genet. 2001 Nov;38(11):729-39; Wagner S et al. Clinics (Sao Paulo). 2012;67 Suppl 1(Suppl 1):77-84). Based on the supporting evidence, this alteration is pathogenic for Hirschsprung disease; however, the association of this alteration with MEN2 is unlikely.

Literature cited by the submitters: PubMed 22174939 (cited by Labcorp Genetics (formerly Invitae), Labcorp); PubMed 22648184 (cited by Labcorp Genetics (formerly Invitae), Labcorp).

NM_020975.6(RET):c.1495C>T (p.Gln499Ter)

Gene: RET (ret proto-oncogene; plus strand). Cytogenetic location: 10q11.21.
Variant type: single nucleotide variant.
Coding change: c.1495C>T on transcript NM_020975.6 (MANE Select); coding-DNA position 1495, C replaced by T.
Protein change: p.Gln499Ter; replaces glutamine 499 with a stop codon.
Molecular consequence: nonsense.
Genome position (GRCh38, 1-based): chr10:43,111,438, C>T. VCF-style: chr10-43111438-C-T. GRCh37 (hg19) VCF-style: chr10-43606886-C-T.
Other names: c.1495C>T, p.Gln499Ter (NM_000323.2, NM_001406743.1, NM_001406744.1 and 6 more transcripts); c.733C>T, p.Gln245Ter (NM_001355216.2); c.1366C>T, p.Gln456Ter (NM_001406761.1, NM_001406762.1, NM_001406764.1 and 1 more transcripts); c.1207C>T, p.Gln403Ter (NM_001406766.1, NM_001406767.1, NM_001406770.1); c.1099C>T, p.Gln367Ter (NM_001406769.1, NM_001406772.1); c.1057C>T, p.Gln353Ter (NM_001406771.1, NM_001406773.1); c.970C>T, p.Gln324Ter (NM_001406774.1); c.769C>T, p.Gln257Ter (NM_001406775.1, NM_001406776.1, NM_001406777.1 and 1 more transcripts); and 1 more; short protein forms Q257*, Q324*, Q367*, Q403*, Q499*, Q245*, Q456*, Q169*.
Identifiers: ClinVar variation 1773874 (VCV001773874.7), dbSNP rs2132776227, ClinGen allele CA376549951.